The following is an entry in ClinVar:

ClinVar aggregate classification (germline): Pathogenic (1 of 4 stars; one submission).

Submission:

Labcorp Genetics (formerly Invitae), Labcorp
Classification: Pathogenic. Last evaluated: 2024-12-30. Review status: criteria provided, single submitter. Criteria: Invitae Variant Classification Sherloc (09022015). Collection method: clinical testing. Allele origin: germline.
Comment: This sequence change creates a premature translational stop signal (p.Gln1268*) in the PCLO gene. It is expected to result in an absent or disrupted protein product. Loss-of-function variants in PCLO are known to be pathogenic (PMID: 25832664, 30287594). This variant is not present in population databases (gnomAD no frequency). This variant has not been reported in the literature in individuals affected with PCLO-related conditions. For these reasons, this variant has been classified as Pathogenic.

Literature cited by the submitters: PubMed 25832664; PubMed 30287594.

NM_033026.6(PCLO):c.3802C>T (p.Gln1268Ter)

Gene: PCLO (piccolo presynaptic cytomatrix protein; minus strand). Cytogenetic location: 7q21.11.
Variant type: single nucleotide variant.
Coding change: c.3802C>T on transcript NM_033026.6 (MANE Select); coding-DNA position 3802, C replaced by T.
Protein change: p.Gln1268Ter; replaces glutamine 1268 with a stop codon.
Molecular consequence: nonsense.
Genome position (GRCh38, 1-based): chr7:82,965,986, G>A on the plus strand (C>T on the coding strand, the complement: PCLO is on the minus strand). VCF-style: chr7-82965986-G-A. GRCh37 (hg19) VCF-style: chr7-82595302-G-A.
Other names: c.3802C>T, p.Gln1268Ter (NM_014510.3); short protein forms Q1268*.
Identifiers: ClinVar variation 3728267 (VCV003728267.2).